The following is an entry in ClinVar:

NC_000012.11:g.(?_56078351)_(56101689_?)dup

Genes: ITGA7 (integrin subunit alpha 7; minus strand), TMT1B (thiol methyltransferase 1B; plus strand). Cytogenetic location: 12q13.2.
Variant type: Duplication.
Identifiers: ClinVar variation 4688621 (VCV004688621.1).

ClinVar aggregate classification (germline): Uncertain significance (1 of 4 stars; one submission).

Submission:

Women's Health and Genetics/Laboratory Corporation of America, LabCorp
Classification: Uncertain significance. Last evaluated: 2025-12-03. Review status: criteria provided, single submitter. Criteria: LabCorp Variant Classification Summary - May 2015. Collection method: clinical testing. Allele origin: germline.
Comment: Variant summary: The variant involves the duplication of exons 1-25 in the ITGA7 gene. A presumed nomenclature of c.(?_-223)_(*491_?)dup has been designated for the purposes of this classification. This duplication includes the entire coding sequence of the gene. As exact breakpoints are unknown, it may extend beyond the annotated region of the gene, to include other flanking genes. The duplication of the ITGA7 gene (in isolation) was absent in 120780 control chromosomes in the gnomAD database (Structural Variants v4.1 dataset). The available data on variant occurrences in the general population are insufficient to allow any conclusion about variant significance. To our knowledge, no occurrence of c.(?_-223)_(*491_?)dup in individuals affected with ITGA7-related conditions and no experimental evidence demonstrating its impact on protein function have been reported. ClinVar contains an entry for this variant (Variation ID: 832932). Based on the evidence outlined above, the variant was classified as uncertain significance.